The following is an entry in ClinVar:

ClinVar aggregate classification (germline): Pathogenic (1 of 4 stars; one submission).

Submission:

Labcorp Genetics (formerly Invitae), Labcorp
Classification: Pathogenic. Last evaluated: 2024-01-25. Review status: criteria provided, single submitter. Criteria: Invitae Variant Classification Sherloc (09022015). Collection method: clinical testing. Allele origin: germline.
Comment: This sequence change creates a premature translational stop signal (p.Gln1227*) in the ARID1B gene. It is expected to result in an absent or disrupted protein product. Loss-of-function variants in ARID1B are known to be pathogenic (PMID: 25674384, 30349098). This variant is not present in population databases (gnomAD no frequency). This variant has not been reported in the literature in individuals affected with ARID1B-related conditions. For these reasons, this variant has been classified as Pathogenic.

Literature cited by the submitters: PubMed 25674384; PubMed 30349098.

NM_001374828.1(ARID1B):c.4048C>T (p.Gln1350Ter)

Gene: ARID1B (AT-rich interaction domain 1B; plus strand). Cytogenetic location: 6q25.3.
Variant type: single nucleotide variant.
Coding change: c.4048C>T on transcript NM_001374828.1 (MANE Select); coding-DNA position 4048, C replaced by T.
Protein change: p.Gln1350Ter; replaces glutamine 1350 with a stop codon.
Molecular consequence: nonsense.
Genome position (GRCh38, 1-based): chr6:157,189,770, C>T. VCF-style: chr6-157189770-C-T. GRCh37 (hg19) VCF-style: chr6-157510904-C-T.
Other names: c.1549C>T, p.Gln517Ter (NM_001363725.2); c.3928C>T, p.Gln1310Ter (NM_001371656.1, NM_001374820.1); c.3889C>T, p.Gln1297Ter (NM_017519.3); short protein forms Q1297*, Q1310*, Q1350*, Q517*.
Identifiers: ClinVar variation 3633264 (VCV003633264.2).
Genomic context (GRCh38, chr6:157,189,770, plus strand): 5'-CCAGGTGACCTGAAGCCACCTACCCCAGCCTCCACCCCTCACGGCCAGATGACTCCAATG[C>T]AAGGTGGAAGGTATGTTCAAATAACTCTGTGAGGCATACAAAGTCACATTTGTTCATCTT-3'